The following is an entry in ClinVar:

ClinVar aggregate classification (germline): Benign/Likely benign. Review status: criteria provided, multiple submitters, no conflicts (2 of 4 stars). 3 submissions from 3 submitters: Benign (1); Likely benign (1). 1 of the submissions does not count toward it. Last evaluated 2025-12-25.

Conditions:
Juvenile cataract-microcornea-renal glucosuria syndrome. Also called: CATARACT 47; CATARACT, JUVENILE, WITH MICROCORNEA; Cataract 47, juvenile, with microcornea. Identifiers: Orphanet 247794, MedGen C4310806, MONDO:0012786, OMIM 612018.
SLC16A12-related disorder. Also called: SLC16A12-related condition.

Allele frequency attached by ClinVar (database versions not stated): ESP Exome Variant Server 0.00023; gnomAD exomes 0.00030 and 0.00055; gnomAD 0.00033 and 0.00034; TOPMed 0.00037; ExAC 0.00051.
gnomAD v4.1: 514 of 1,613,966 alleles (0.032%); highest among the groups gnomAD compares: Middle Eastern, 0.13%; no homozygotes.

Submissions (3):

Labcorp Genetics (formerly Invitae), Labcorp
Classification: Benign. Last evaluated: 2025-12-25. Review status: criteria provided, single submitter. Criteria: Invitae Variant Classification Sherloc (09022015). Collection method: clinical testing. Allele origin: germline.

Fulgent Genetics
Classification: Likely benign for Juvenile cataract-microcornea-renal glucosuria syndrome. Last evaluated: 2022-04-08. Review status: criteria provided, single submitter. Criteria: ACMG Guidelines, 2015. Collection method: clinical testing. Allele origin: unknown.

PreventionGenetics, part of Exact Sciences
Classification: Likely benign for SLC16A12-related condition. Last evaluated: 2019-12-02. Review status: no assertion criteria provided. Collection method: clinical testing. Allele origin: germline. Not counted in ClinVar's aggregate classification.
Comment: This variant is classified as likely benign based on ACMG/AMP sequence variant interpretation guidelines (Richards et al. 2015 PMID: 25741868, with internal and published modifications).

NM_213606.4(SLC16A12):c.1217C>G (p.Ser406Cys)

Gene: SLC16A12 (solute carrier family 16 member 12; minus strand). Cytogenetic location: 10q23.31.
Variant type: single nucleotide variant.
Coding change: c.1217C>G on transcript NM_213606.4 (MANE Select); coding-DNA position 1217, C replaced by G.
Protein change: p.Ser406Cys; replaces serine 406 with cysteine.
Molecular consequence: missense variant.
Genome position (GRCh38, 1-based): chr10:89,436,131, G>C on the plus strand (C>G on the coding strand, the complement: SLC16A12 is on the minus strand). VCF-style: chr10-89436131-G-C. GRCh37 (hg19) VCF-style: chr10-91195888-G-C.
Other names: c.1217C>G (NM_213606.3); short protein forms S406C.
Identifiers: ClinVar variation 1652604 (VCV001652604.11), dbSNP rs145362501, ClinGen allele CA5595361.
Genomic context (GRCh38, chr10:89,436,131, plus strand): 5'-GGGCTCACCAAGTATGGCACTGCGTGAAGGAAGTATACCACACCAAGCGCTGATGACAAA[G>C]AGGTGGTCCCCACTATCTCTGTGGTCACTACTGGGATCAAAGTCACATAGGCACCATCAA-3'
Protein context (NP_998771.3, residues 396-416): VVTTEIVGTT[Ser406Cys]LSSALGVVYF